The following is an entry in ClinVar:

NM_001260.3(CDK8):c.185C>G (p.Ser62Trp)

Gene: CDK8 (cyclin dependent kinase 8; plus strand). Cytogenetic location: 13q12.13.
Variant type: single nucleotide variant.
Coding change: c.185C>G on transcript NM_001260.3 (MANE Select); coding-DNA position 185, C replaced by G.
Protein change: p.Ser62Trp; replaces serine 62 with tryptophan.
Molecular consequence: missense variant. On other transcripts: 5 prime UTR variant (1).
Genome position (GRCh38, 1-based): chr13:26,337,623, C>G. VCF-style: chr13-26337623-C-G. GRCh37 (hg19) VCF-style: chr13-26911760-C-G.
Other names: c.185C>G, p.Ser62Trp (NM_001318368.2); c.-277C>G (NM_001346501.2); short protein forms S62W.
Identifiers: ClinVar variation 3236205 (VCV003236205.1), dbSNP rs1565977796, ClinGen allele CA387682575.

ClinVar aggregate classification (germline): Likely pathogenic (1 of 4 stars; one submission).

Conditions:
Intellectual developmental disorder with hypotonia and behavioral abnormalities. Identifiers: MedGen C5231489, MONDO:0032897, OMIM 618748.

Submission:

MVZ Medizinische Genetik Mainz
Classification: Likely pathogenic for Intellectual developmental disorder with hypotonia and behavioral abnormalities. Last evaluated: 2024-01-11. Review status: criteria provided, single submitter. Criteria: UK Practice Guidelines For Variant Classification V4 01 2020. Collection method: clinical testing. Allele origin: germline. Inheritance: Autosomal dominant inheritance. Affected: yes. Observed: 1 variant allele.
Comment: ACMG Criteria: PM5,PM1_SUP,PM2_SUP,PP2,PP3